The following is an entry in ClinVar:

ClinVar aggregate classification (germline): Pathogenic. Review status: criteria provided, single submitter (1 of 4 stars). 2 submissions from 2 submitters: Pathogenic (1). 1 of the submissions does not count toward it. Last evaluated 2020-04-20.

Conditions:
Tuberous sclerosis 1 (TSC1). Identifiers: Orphanet 805, MedGen C1854465, MONDO:0008612, OMIM 191100.
Tuberous sclerosis syndrome (TSC). Also called: Tuberous Sclerosis Complex; Tuberous sclerosis. Identifiers: Orphanet 805, MedGen C0041341, MONDO:0001734.

Submissions (2):

Labcorp Genetics (formerly Invitae), Labcorp
Classification: Pathogenic for Tuberous sclerosis 1. Last evaluated: 2020-04-20. Review status: criteria provided, single submitter. Criteria: Invitae Variant Classification Sherloc (09022015). Collection method: clinical testing. Allele origin: germline.
Comment: This variant is not present in population databases (ExAC no frequency). This sequence change creates a premature translational stop signal (p.Leu697Tyrfs*27) in the TSC1 gene. It is expected to result in an absent or disrupted protein product. This variant has been reported in individuals in the Leiden Open-source Variation Database (PMID: 21520333). ClinVar contains an entry for this variant (Variation ID: 48887). Loss-of-function variants in TSC1 are known to be pathogenic (PMID: 10227394, 17304050). For these reasons, this variant has been classified as Pathogenic.

Tuberous sclerosis database (TSC1)
No classification provided. Condition: TSC. Review status: no classification provided. Criteria: Tuberous Sclerosis Database Assertion Criteria 2015. Collection method: curation. Allele origin: germline. Affected: yes. Not counted in ClinVar's aggregate classification.

Literature cited by the submitters: PubMed 21520333 (cited by Labcorp Genetics (formerly Invitae), Labcorp); PubMed 10227394 (cited by Labcorp Genetics (formerly Invitae), Labcorp); PubMed 17304050 (cited by Labcorp Genetics (formerly Invitae), Labcorp).

NM_000368.5(TSC1):c.2090del (p.Leu697fs)

Gene: TSC1 (TSC complex subunit 1; minus strand). Cytogenetic location: 9q34.13.
Variant type: Deletion.
Coding change: c.2090del on transcript NM_000368.5 (MANE Select); coding-DNA position 2090, one base deleted (T; older notation c.2090delT).
Protein change: p.Leu697fs; shifts the reading frame from leucine 697.
Molecular consequence: frameshift variant.
Genome position (GRCh38, 1-based): chr9:132,903,769, A deleted on the plus strand (T on the coding strand, the reverse complement: TSC1 is on the minus strand); the first of 4 consecutive A bases (chr9:132,903,769-132,903,772); deleting any one gives the same sequence. VCF-style (leftmost placement, unchanged base first): chr9-132903768-TA-T. GRCh37 (hg19) VCF-style: chr9-135779155-TA-T.
Other names: c.2090delT (NM_000368.4); c.2087del, p.Leu696fs (NM_001162426.2); c.1937del, p.Leu646fs (NM_001162427.2); c.1727del, p.Leu576fs (NM_001362177.2); short protein forms L576fs, L696fs, L646fs, L697fs.
Identifiers: ClinVar variation 48887 (VCV000048887.10), dbSNP rs118203633, ClinGen allele CA005933.